The following is an entry in ClinVar:

NM_017514.5(PLXNA3):c.1887C>T (p.Ala629=)

Gene: PLXNA3 (plexin A3; plus strand). Cytogenetic location: Xq28.
Variant type: single nucleotide variant.
Coding change: c.1887C>T on transcript NM_017514.5 (MANE Select); coding-DNA position 1887, C replaced by T.
Protein change: p.Ala629=; no amino-acid change (alanine 629 retained).
Molecular consequence: synonymous variant.
Genome position (GRCh38, 1-based): chrX:154,464,460, C>T. VCF-style: chrX-154464460-C-T. GRCh37 (hg19) VCF-style: chrX-153692803-C-T.
Identifiers: ClinVar variation 3032315 (VCV003032315.2), dbSNP rs781945902, ClinGen allele CA10564204.

ClinVar aggregate classification (germline): Likely benign (0 of 4 stars; one submission).

Conditions:
PLXNA3-related disorder. Also called: PLXNA3-related condition.

Allele frequency attached by ClinVar (database versions not stated): gnomAD 0.00011; ExAC 0.00030; TOPMed 0.00052.

Submission:

PreventionGenetics, part of Exact Sciences
Classification: Likely benign for PLXNA3-related condition. Last evaluated: 2021-06-22. Review status: no assertion criteria provided. Collection method: clinical testing. Allele origin: germline.
Comment: This variant is classified as likely benign based on ACMG/AMP sequence variant interpretation guidelines (Richards et al. 2015 PMID: 25741868, with internal and published modifications).